The following is an entry in ClinVar:

NM_182493.3(MYLK3):c.619dup (p.Ile207fs)

Gene: MYLK3 (myosin light chain kinase 3; minus strand). Cytogenetic location: 16q11.2.
Variant type: Duplication.
Coding change: c.619dup on transcript NM_182493.3 (MANE Select); coding-DNA position 619, one base duplicated (A; older notation c.619dupA).
Protein change: p.Ile207fs; shifts the reading frame from isoleucine 207.
Molecular consequence: frameshift variant. On other transcripts: intron variant (1).
Genome position (GRCh38, 1-based): chr16:46,738,093, T duplicated on the plus strand (A on the coding strand, the reverse complement: MYLK3 is on the minus strand). VCF-style (leftmost placement, unchanged base first): chr16-46738092-A-AT. GRCh37 (hg19) VCF-style: chr16-46772004-A-AT.
Other names: c.-23+1964dup (NM_001308301.1); short protein forms I207fs.
Identifiers: ClinVar variation 4698557 (VCV004698557.1).

ClinVar aggregate classification (germline): Uncertain significance (1 of 4 stars; one submission).

Submission:

Labcorp Genetics (formerly Invitae), Labcorp
Classification: Uncertain significance. Last evaluated: 2025-02-06. Review status: criteria provided, single submitter. Criteria: Invitae Variant Classification Sherloc (09022015). Collection method: clinical testing. Allele origin: germline.
Comment: This sequence change creates a premature translational stop signal (p.Ile207Asnfs*9) in the MYLK3 gene. It is expected to result in an absent or disrupted protein product. However, the current clinical and genetic evidence is not sufficient to establish whether loss-of-function variants in MYLK3 cause disease. This variant is present in population databases (rs772243370, gnomAD 0.04%). This variant has not been reported in the literature in individuals affected with MYLK3-related conditions. Experimental studies and prediction algorithms are not available or were not evaluated, and the functional significance of this variant is currently unknown. In summary, the available evidence is currently insufficient to determine the role of this variant in disease. Therefore, it has been classified as a Variant of Uncertain Significance.